The following is an entry in ClinVar:

NM_001031689.3(PLAA):c.690T>A (p.His230Gln)

Gene: PLAA (phospholipase A2 activating protein; minus strand). Cytogenetic location: 9p21.2.
Variant type: single nucleotide variant.
Coding change: c.690T>A on transcript NM_001031689.3 (MANE Select); coding-DNA position 690, T replaced by A.
Protein change: p.His230Gln; replaces histidine 230 with glutamine.
Molecular consequence: missense variant.
Genome position (GRCh38, 1-based): chr9:26,926,436, A>T on the plus strand (T>A on the coding strand, the complement: PLAA is on the minus strand). VCF-style: chr9-26926436-A-T. GRCh37 (hg19) VCF-style: chr9-26926434-A-T.
Other names: c.690T>A, p.His230Gln (NM_001321546.2); short protein forms H230Q.
Identifiers: ClinVar variation 2177732 (VCV002177732.4), dbSNP rs2489205551, ClinGen allele CA373133524.

ClinVar aggregate classification (germline): Uncertain significance (1 of 4 stars; one submission).

Submission:

Labcorp Genetics (formerly Invitae), Labcorp
Classification: Uncertain significance. Last evaluated: 2022-06-26. Review status: criteria provided, single submitter. Criteria: Invitae Variant Classification Sherloc (09022015). Collection method: clinical testing. Allele origin: germline.
Comment: This sequence change replaces histidine, which is basic and polar, with glutamine, which is neutral and polar, at codon 230 of the PLAA protein (p.His230Gln). This variant is not present in population databases (gnomAD no frequency). This variant has not been reported in the literature in individuals affected with PLAA-related conditions. Algorithms developed to predict the effect of missense changes on protein structure and function are either unavailable or do not agree on the potential impact of this missense change (SIFT: "Tolerated"; PolyPhen-2: "Probably Damaging"; Align-GVGD: "Class C0"). In summary, the available evidence is currently insufficient to determine the role of this variant in disease. Therefore, it has been classified as a Variant of Uncertain Significance.